The following is an entry in ClinVar:

ClinVar aggregate classification (germline): Uncertain significance (1 of 4 stars; one submission).

Allele frequency attached by ClinVar (database versions not stated): gnomAD exomes below 0.00001.
gnomAD v4.1: 1 of 1,604,124 alleles (0.000062%); highest among the groups gnomAD compares: Non-Finnish European, 0.000085%; no homozygotes.

Submission:

Labcorp Genetics (formerly Invitae), Labcorp
Classification: Uncertain significance. Last evaluated: 2021-03-24. Review status: criteria provided, single submitter. Criteria: Invitae Variant Classification Sherloc (09022015). Collection method: clinical testing. Allele origin: germline.
Comment: In summary, the available evidence is currently insufficient to determine the role of this variant in disease. Therefore, it has been classified as a Variant of Uncertain Significance. Advanced modeling of protein sequence and biophysical properties (such as structural, functional, and spatial information, amino acid conservation, physicochemical variation, residue mobility, and thermodynamic stability) performed at Invitae indicates that this missense variant is expected to disrupt COL9A3 protein function. This variant has not been reported in the literature in individuals with COL9A3-related conditions. This variant is not present in population databases (ExAC no frequency). This sequence change replaces glycine with aspartic acid at codon 424 of the COL9A3 protein (p.Gly424Asp). The glycine residue is highly conserved and there is a moderate physicochemical difference between glycine and aspartic acid.

NM_001853.4(COL9A3):c.1271G>A (p.Gly424Asp)

Gene: COL9A3 (collagen type IX alpha 3 chain; plus strand). Cytogenetic location: 20q13.33.
Variant type: single nucleotide variant.
Coding change: c.1271G>A on transcript NM_001853.4 (MANE Select); coding-DNA position 1271, G replaced by A.
Protein change: p.Gly424Asp; replaces glycine 424 with aspartic acid.
Molecular consequence: missense variant.
Genome position (GRCh38, 1-based): chr20:62,830,572, G>A. VCF-style: chr20-62830572-G-A. GRCh37 (hg19) VCF-style: chr20-61461924-G-A.
Other names: short protein forms G424D.
Identifiers: ClinVar variation 1353003 (VCV001353003.8), dbSNP rs2147217388, ClinGen allele CA409594817.